The following is an entry in ClinVar:

ClinVar aggregate classification (germline): Likely benign. Review status: criteria provided, multiple submitters, no conflicts (2 of 4 stars). 3 submissions from 3 submitters: Likely benign (2). 1 of the submissions does not count toward it. Last evaluated 2022-10-17.

Conditions:
Microcephaly with or without chorioretinopathy, lymphedema, or impaired intellectual development. Also called: Microcephaly with or without chorioretinopathy, lymphedema, or mental retardation; MICROCEPHALY AND CHORIORETINOPATHY WITH OR WITHOUT MENTAL RETARDATION, AUTOSOMAL DOMINANT; MICROCEPHALY, LYMPHEDEMA, CHORIORETINAL DYSPLASIA SYNDROME; Microcephaly lymphedema chorioretinal dysplasia; Microcephaly with or without chorioretinopathy, lymphedema, or intellectual disability. Identifiers: Orphanet 2526, MedGen C1835265, MONDO:0007918, OMIM 152950.
Retinal dystrophy. Also called: Inherited retinal dystrophy. Identifiers: Orphanet 71862, MedGen C0854723, MeSH D058499, MONDO:0019118, HP:0000556.

Allele frequency attached by ClinVar (database versions not stated): gnomAD 0.00001; gnomAD exomes 0.00001; TOPMed 0.00001; ExAC 0.00001.
gnomAD v4.1: 8 of 1,524,682 alleles (0.00052%); highest among the groups gnomAD compares: Non-Finnish European, 0.0007%; no homozygotes.

Submissions (3):

Labcorp Genetics (formerly Invitae), Labcorp
Classification: Likely benign. Last evaluated: 2022-10-17. Review status: criteria provided, single submitter. Criteria: Invitae Variant Classification Sherloc (09022015). Collection method: clinical testing. Allele origin: germline.

MGZ Medical Genetics Center
Classification: Likely benign for Microcephaly with or without chorioretinopathy, lymphedema, or impaired intellectual development. Last evaluated: 2021-08-31. Review status: criteria provided, single submitter. Criteria: ACMG Guidelines, 2015. Collection method: clinical testing. Allele origin: germline. Affected: yes. Observed: 1 variant allele.
Comment: ACMG criteria applied: BS2_SUP, BP7

Institute of Human Genetics, Univ. Regensburg, Univ. Regensburg
Classification: Uncertain significance for Retinal dystrophy. Last evaluated: 2021-01-01. Review status: no assertion criteria provided. Criteria: ACMG Guidelines, 2015. Collection method: clinical testing. Allele origin: germline. Affected: yes. Not counted in ClinVar's aggregate classification.

NM_004523.4(KIF11):c.1494+10T>G

Gene: KIF11 (kinesin family member 11; plus strand). Cytogenetic location: 10q23.33.
Variant type: single nucleotide variant.
Coding change: c.1494+10T>G on transcript NM_004523.4 (MANE Select); 10 bases into the intron after coding-DNA position 1494, T replaced by G.
Molecular consequence: intron variant.
Genome position (GRCh38, 1-based): chr10:92,630,374, T>G. VCF-style: chr10-92630374-T-G. GRCh37 (hg19) VCF-style: chr10-94390131-T-G.
Identifiers: ClinVar variation 1446839 (VCV001446839.13), dbSNP rs779621928, ClinGen allele CA5604201.